The following is an entry in ClinVar:

ClinVar aggregate classification (germline): Pathogenic. Review status: criteria provided, multiple submitters, no conflicts (2 of 4 stars). 3 submissions from 3 submitters: Pathogenic (2). 1 of the submissions does not count toward it. Last evaluated 2024-01-29.

Conditions:
Senior-Loken syndrome 7 (SLSN7). Identifiers: Orphanet 3156, MedGen C3150877, MONDO:0013326, OMIM 613615.
Bardet-Biedl syndrome 16 (BBS16). Identifiers: Orphanet 110, MedGen C3889474, MONDO:0014444, OMIM 615993.

Submissions (3):

Labcorp Genetics (formerly Invitae), Labcorp
Classification: Pathogenic for Bardet-Biedl syndrome 16; Senior-Loken syndrome 7. Last evaluated: 2024-01-29. Review status: criteria provided, single submitter. Criteria: Invitae Variant Classification Sherloc (09022015). Collection method: clinical testing. Allele origin: germline.
Comment: This sequence change creates a premature translational stop signal (p.Thr482Leufs*12) in the SDCCAG8 gene. It is expected to result in an absent or disrupted protein product. Loss-of-function variants in SDCCAG8 are known to be pathogenic (PMID: 20835237, 22190896). This variant is present in population databases (rs773794973, gnomAD 0.01%). This premature translational stop signal has been observed in individual(s) with ciliopathy features including renal disease and retinal dystrophy (PMID: 20835237, 22626039). ClinVar contains an entry for this variant (Variation ID: 156529). For these reasons, this variant has been classified as Pathogenic.

Eurofins Ntd Llc (ga)
Classification: Pathogenic. Last evaluated: 2017-02-21. Review status: criteria provided, single submitter. Criteria: EGL Classification Definitions 2015. Collection method: clinical testing. Allele origin: germline. Observed: 1 variant allele, 1 heterozygote.

OMIM
Classification: Pathogenic for BARDET-BIEDL SYNDROME 16. Last evaluated: 2012-09-01. Review status: no assertion criteria provided. Collection method: literature only. Allele origin: germline. Not counted in ClinVar's aggregate classification.

Literature cited by the submitters: PubMed 20835237 (cited by Labcorp Genetics (formerly Invitae), Labcorp and OMIM); PubMed 22190896 (cited by Labcorp Genetics (formerly Invitae), Labcorp); PubMed 22626039 (cited by Labcorp Genetics (formerly Invitae), Labcorp and OMIM).

NM_006642.5(SDCCAG8):c.1444del (p.Thr482fs)

Gene: SDCCAG8 (SHH signaling and ciliogenesis regulator SDCCAG8; plus strand). Cytogenetic location: 1q43.
Variant type: Deletion.
Coding change: c.1444del on transcript NM_006642.5 (MANE Select); coding-DNA position 1444, one base deleted (A; older notation c.1444delA).
Protein change: p.Thr482fs; shifts the reading frame from threonine 482.
Molecular consequence: frameshift variant.
Genome position (GRCh38, 1-based): chr1:243,344,302, A deleted; the last of 5 consecutive A bases (chr1:243,344,298-243,344,302); deleting any one gives the same sequence. VCF-style (leftmost placement, unchanged base first): chr1-243344297-CA-C. GRCh37 (hg19) VCF-style: chr1-243507599-CA-C.
Other names: c.541del, p.Thr181fs (NM_001350246.2, NM_001350247.2, NM_001350251.2); c.1540del, p.Thr514fs (NM_001350248.2); c.1150del, p.Thr384fs (NM_001350249.2); short protein forms T384fs, T482fs, T514fs, T181fs.
Identifiers: ClinVar variation 156529 (VCV000156529.14), dbSNP rs587777847, ClinGen allele CA270913.